The following is an entry in ClinVar:

NM_020738.4(KIDINS220):c.5194A>G (p.Met1732Val)

Gene: KIDINS220 (kinase D interacting substrate 220; minus strand). Cytogenetic location: 2p25.1.
Variant type: single nucleotide variant.
Coding change: c.5194A>G on transcript NM_020738.4 (MANE Select); coding-DNA position 5194, A replaced by G.
Protein change: p.Met1732Val; replaces methionine 1732 with valine.
Molecular consequence: missense variant. On other transcripts: intron variant (6).
Genome position (GRCh38, 1-based): chr2:8,730,842, T>C on the plus strand (A>G on the coding strand, the complement: KIDINS220 is on the minus strand). VCF-style: chr2-8730842-T-C. GRCh37 (hg19) VCF-style: chr2-8870972-T-C.
Other names: c.5197A>G, p.Met1733Val (NM_001348729.2); c.5140A>G, p.Met1714Val (NM_001348731.2); c.5137A>G, p.Met1713Val (NM_001348732.2); c.5026A>G, p.Met1676Val (NM_001348734.2); c.5023A>G, p.Met1675Val (NM_001348735.2); c.4897A>G, p.Met1633Val (NM_001348736.2); c.3882+2602A>G (NM_001348741.2, NM_001348742.2, NM_001348743.2); c.3996+2602A>G (NM_001348738.2); and 1 more; short protein forms M1676V, M1633V, M1732V, M1675V, M1714V, M1733V, M1713V.
Identifiers: ClinVar variation 2013428 (VCV002013428.4), dbSNP rs2527390724, ClinGen allele CA345761283.

ClinVar aggregate classification (germline): Uncertain significance (1 of 4 stars; one submission).

Submission:

Labcorp Genetics (formerly Invitae), Labcorp
Classification: Uncertain significance. Last evaluated: 2023-05-22. Review status: criteria provided, single submitter. Criteria: Invitae Variant Classification Sherloc (09022015). Collection method: clinical testing. Allele origin: germline.
Comment: In summary, the available evidence is currently insufficient to determine the role of this variant in disease. Therefore, it has been classified as a Variant of Uncertain Significance. Algorithms developed to predict the effect of missense changes on protein structure and function output the following: SIFT: "Not Available"; PolyPhen-2: "Benign"; Align-GVGD: "Not Available". The valine amino acid residue is found in multiple mammalian species, which suggests that this missense change does not adversely affect protein function. ClinVar contains an entry for this variant (Variation ID: 2013428). This variant has not been reported in the literature in individuals affected with KIDINS220-related conditions. This variant is not present in population databases (gnomAD no frequency). This sequence change replaces methionine, which is neutral and non-polar, with valine, which is neutral and non-polar, at codon 1732 of the KIDINS220 protein (p.Met1732Val).